The following is an entry in ClinVar:

NM_016373.4(WWOX):c.935C>T (p.Ser312Phe)

Gene: WWOX (WW domain containing oxidoreductase; plus strand). Cytogenetic location: 16q23.1.
Variant type: single nucleotide variant.
Coding change: c.935C>T on transcript NM_016373.4 (MANE Select); coding-DNA position 935, C replaced by T.
Protein change: p.Ser312Phe; replaces serine 312 with phenylalanine.
Molecular consequence: missense variant.
Genome position (GRCh38, 1-based): chr16:78,432,631, C>T. VCF-style: chr16-78432631-C-T. GRCh37 (hg19) VCF-style: chr16-78466528-C-T.
Other names: c.596C>T, p.Ser199Phe (NM_001291997.2); short protein forms S312F, S199F.
Identifiers: ClinVar variation 437305 (VCV000437305.37), dbSNP rs79399971, ClinGen allele CA8183560.

ClinVar aggregate classification (germline): Uncertain significance. Review status: criteria provided, multiple submitters, no conflicts (2 of 4 stars). 5 submissions from 5 submitters: Uncertain significance (5). Last evaluated 2024-09-22.

Conditions:
Developmental and epileptic encephalopathy, 1 (DEE1). Also called: Epileptic encephalopathy, early infantile, 1; X-linked infantile spasms; West's syndrome; Tonic spasms with clustering, arrest of psychomotor development and hypsarrhythmia on EEG; X-Linked Infantile Spasm Syndrome; OHTAHARA SYNDROME, X-LINKED. Identifiers: MedGen C3463992, MONDO:0010632, OMIM 308350. Disease mechanism: loss of function.
Autosomal recessive spinocerebellar ataxia 12. Also called: SPINOCEREBELLAR ATAXIA WITH MENTAL RETARDATION AND EPILEPSY. Identifiers: Orphanet 284282, MedGen C3280452, MONDO:0013687, OMIM 614322.

gnomAD v4.1: 77 of 1,614,100 alleles (0.0048%); highest among the groups gnomAD compares: South Asian, 0.077%; 2 homozygotes.

Submissions (5):

Labcorp Genetics (formerly Invitae), Labcorp
Classification: Uncertain significance for Developmental and epileptic encephalopathy, 1; Autosomal recessive spinocerebellar ataxia 12. Last evaluated: 2024-09-22. Review status: criteria provided, single submitter. Criteria: Invitae Variant Classification Sherloc (09022015). Collection method: clinical testing. Allele origin: germline.
Comment: This sequence change replaces serine, which is neutral and polar, with phenylalanine, which is neutral and non-polar, at codon 312 of the WWOX protein (p.Ser312Phe). This variant is present in population databases (rs79399971, gnomAD 0.08%). This variant has not been reported in the literature in individuals affected with WWOX-related conditions. ClinVar contains an entry for this variant (Variation ID: 437305). Invitae Evidence Modeling of protein sequence and biophysical properties (such as structural, functional, and spatial information, amino acid conservation, physicochemical variation, residue mobility, and thermodynamic stability) indicates that this missense variant is not expected to disrupt WWOX protein function with a negative predictive value of 80%. In summary, the available evidence is currently insufficient to determine the role of this variant in disease. Therefore, it has been classified as a Variant of Uncertain Significance.

Blueprint Genetics
Classification: Uncertain significance. Last evaluated: 2024-09-06. Review status: criteria provided, single submitter. Criteria: ACMG Guidelines, 2015. Collection method: clinical testing. Allele origin: germline.

CeGaT Center for Human Genetics Tuebingen
Classification: Uncertain significance. Last evaluated: 2023-12-01. Review status: criteria provided, single submitter. Criteria: CeGaT Center For Human Genetics Tuebingen Variant Classification Criteria Version 2. Collection method: clinical testing. Allele origin: germline. Affected: yes. Observed: 1 variant allele.

GeneDx
Classification: Uncertain significance. Last evaluated: 2020-11-16. Review status: criteria provided, single submitter. Criteria: GeneDx Variant Classification Process June 2021. Collection method: clinical testing. Allele origin: germline. Affected: yes.
Comment: In silico analysis, which includes protein predictors and evolutionary conservation, supports a deleterious effect; Has not been previously published as pathogenic or benign to our knowledge

Genetic Services Laboratory, University of Chicago
Classification: Uncertain significance. Last evaluated: 2017-03-23. Review status: criteria provided, single submitter. Criteria: ACMG Guidelines, 2015. Collection method: clinical testing. Allele origin: germline. Affected: no.